The following is an entry in ClinVar:

ClinVar aggregate classification (germline): Uncertain significance. Review status: criteria provided, multiple submitters, no conflicts (2 of 4 stars). 3 submissions from 3 submitters: Uncertain significance (3). Last evaluated 2026-02-11.

Conditions:
Hereditary cancer-predisposing syndrome. Also called: Tumor predisposition; Hereditary Cancer Syndrome; Neoplastic Syndromes, Hereditary; Hereditary neoplastic syndrome. Identifiers: Orphanet 140162, MedGen C0027672, MeSH D009386, MONDO:0015356.
Familial cancer of breast. Also called: Hereditary breast cancer; BREAST CANCER, FAMILIAL; hereditary breast carcinoma. Identifiers: Orphanet 227535, MedGen C0346153, MONDO:0016419, OMIM 114480. Disease mechanism: loss of function.

Submissions (3):

Ambry Genetics
Classification: Uncertain significance for Hereditary cancer-predisposing syndrome. Last evaluated: 2026-02-11. Review status: criteria provided, single submitter. Criteria: Ambry Variant Classification Scheme 2023. Collection method: clinical testing. Allele origin: germline.
Comment: The c.1259+5G>A intronic variant results from a G to A substitution 5 nucleotides after coding exon 10 in the CHEK2 gene. This nucleotide position is highly conserved in available vertebrate species. In silico splice site analysis predicts that this alteration may weaken the native splice donor site. Based on the available evidence, the clinical significance of this variant remains unclear.

Color Diagnostics, LLC DBA Color Health
Classification: Uncertain significance for Hereditary cancer-predisposing syndrome. Last evaluated: 2021-07-26. Review status: criteria provided, single submitter. Criteria: ACMG Guidelines, 2015. Collection method: clinical testing. Allele origin: germline.
Comment: This variant causes a G to A nucleotide substitution at the +5 position of intron 11 of the CHEK2 gene. Splice site prediction tools predict that this variant may have a significant impact on RNA splicing. To our knowledge, RNA studies have not been reported for this variant. This variant has not been reported in individuals affected with hereditary cancer in the literature. This variant has not been identified in the general population by the Genome Aggregation Database (gnomAD). The available evidence is insufficient to determine the role of this variant in disease conclusively. Therefore, this variant is classified as a Variant of Uncertain Significance.

Labcorp Genetics (formerly Invitae), Labcorp
Classification: Uncertain significance for Familial cancer of breast. Last evaluated: 2020-03-26. Review status: criteria provided, single submitter. Criteria: Invitae Variant Classification Sherloc (09022015). Collection method: clinical testing. Allele origin: germline.
Comment: In summary, the available evidence is currently insufficient to determine the role of this variant in disease. Therefore, it has been classified as a Variant of Uncertain Significance. Nucleotide substitutions within the consensus splice site are a relatively common cause of aberrant splicing (PMID: 17576681, 9536098). Algorithms developed to predict the effect of sequence changes on RNA splicing suggest that this variant may disrupt the consensus splice site, but this prediction has not been confirmed by published transcriptional studies. This variant has not been reported in the literature in individuals with CHEK2-related conditions. ClinVar contains an entry for this variant (Variation ID: 481717). This variant is not present in population databases (ExAC no frequency). This sequence change falls in intron 11 of the CHEK2 gene. It does not directly change the encoded amino acid sequence of the CHEK2 protein, but it affects a nucleotide within the consensus splice site of the intron.

Literature cited by the submitters: PubMed 17576681 (cited by Labcorp Genetics (formerly Invitae), Labcorp); PubMed 9536098 (cited by Labcorp Genetics (formerly Invitae), Labcorp).

NM_007194.4(CHEK2):c.1259+5G>A

Gene: CHEK2 (checkpoint kinase 2; minus strand). Cytogenetic location: 22q12.1.
Variant type: single nucleotide variant.
Coding change: c.1259+5G>A on transcript NM_007194.4 (MANE Select); 5 bases into the intron after coding-DNA position 1259, G replaced by A.
Molecular consequence: intron variant.
Genome position (GRCh38, 1-based): chr22:28,695,705, C>T on the plus strand (G>A on the coding strand, the complement: CHEK2 is on the minus strand). VCF-style: chr22-28695705-C-T. GRCh37 (hg19) VCF-style: chr22-29091693-C-T.
Other names: c.596+5G>A (NM_001437942.1, NM_001257387.3); c.1058+5G>A (NM_001349956.3); c.1172+5G>A (NM_145862.3); c.1265+5G>A (NM_001438295.1); c.1352+5G>A (NM_001438293.1); c.1301+5G>A (NM_001438294.1); c.1388+5G>A (NM_001005735.3).
Identifiers: ClinVar variation 481717 (VCV000481717.16), dbSNP rs1555913629, ClinGen allele CA658656823.
Genomic context (GRCh38, chr22:28,695,705, plus strand): 5'-GACACATTTGTGACTTCATCTAATCACCTCCTACCAGTCTGTGCAGCAATGAAAATATTT[C>T]TTACCAGATAAAAAGAATAACTCCTAAACTCCAGCAGTCCACAGCACGGTTATACCCAGC-3'